The following is an entry in ClinVar:

NM_000154.2(GALK1):c.217dup (p.Val73fs)

Gene: GALK1 (galactokinase 1; minus strand). Cytogenetic location: 17q25.1.
Variant type: Duplication.
Coding change: c.217dup on transcript NM_000154.2 (MANE Select); coding-DNA position 217, one base duplicated (G; older notation c.217dupG).
Protein change: p.Val73fs; shifts the reading frame from valine 73.
Molecular consequence: frameshift variant.
Genome position (GRCh38, 1-based): chr17:75,764,035, C duplicated on the plus strand (G on the coding strand, the reverse complement: GALK1 is on the minus strand); the first of 2 consecutive C bases (chr17:75,764,035-75,764,036); duplicating either gives the same sequence. VCF-style (leftmost placement, unchanged base first): chr17-75764034-A-AC. GRCh37 (hg19) VCF-style: chr17-73760115-A-AC.
Other names: c.217dup, p.Val73fs (NM_001381985.1); short protein forms V73fs.
Identifiers: ClinVar variation 5011831 (VCV005011831.1).

ClinVar aggregate classification (germline): Pathogenic (1 of 4 stars; one submission).

Conditions:
Deficiency of galactokinase. Also called: GALACTOSEMIA II; Galactokinase deficiency with cataracts. Identifiers: Orphanet 352, Orphanet 79237, MedGen C0268155, MONDO:0009255, OMIM 230200.

Submission:

Myriad Genetics, Inc.
Classification: Pathogenic for Deficiency of galactokinase. Last evaluated: 2023-09-27. Review status: criteria provided, single submitter. Criteria: Myriad Autosomal Dominant, Autosomal Recessive and X-Linked Classification Criteria (2023). Collection method: clinical testing. Allele origin: unknown.
Comment: NM_000154.1(GALK1):c.217dupG(V73Gfs*8) is expected to be pathogenic in the context of galactokinase deficiency. This variant is predicted to lead to an abnormal or absent protein product due to the creation of a premature termination codon in GALK1, a gene where loss-of-function variants are known to be pathogenic. Please note: this variant was assessed in the context of healthy population screening.